The following is an entry in ClinVar:

NM_014362.4(HIBCH):c.196C>T (p.Arg66Trp)

Gene: HIBCH (3-hydroxyisobutyryl-CoA hydrolase; minus strand). Cytogenetic location: 2q32.2.
Variant type: single nucleotide variant.
Coding change: c.196C>T on transcript NM_014362.4 (MANE Select); coding-DNA position 196, C replaced by T.
Protein change: p.Arg66Trp; replaces arginine 66 with tryptophan.
Molecular consequence: missense variant.
Genome position (GRCh38, 1-based): chr2:190,296,836, G>A on the plus strand (C>T on the coding strand, the complement: HIBCH is on the minus strand). VCF-style: chr2-190296836-G-A. GRCh37 (hg19) VCF-style: chr2-191161562-G-A.
Other names: c.196C>T, p.Arg66Trp (NM_198047.3); short protein forms R66W.
Identifiers: ClinVar variation 190268 (VCV000190268.12), dbSNP rs757976755, ClinGen allele CA199654.

ClinVar aggregate classification (germline): Likely pathogenic. Review status: criteria provided, multiple submitters, no conflicts (2 of 4 stars). 4 submissions from 4 submitters: Likely pathogenic (2). 2 of the submissions do not count toward it. Last evaluated 2024-03-11.

Conditions:
HIBCH-related disorders.
3-hydroxyisobutyryl-CoA hydrolase deficiency. Also called: METHACRYLIC ACID TOXICITY; METHACRYLIC ACIDURIA; Deficiency of 3-hydroxyisobutyryl CoA hydrolase; Reduced circulating 3-hydroxyisobutyryl-CoA hydrolase activity; VALINE METABOLIC DEFECT; HIBCH DEFICIENCY. Identifiers: Orphanet 88639, MedGen C0342738, MONDO:0009603, OMIM 250620, HP:6000215.

Allele frequency attached by ClinVar (database versions not stated): gnomAD exomes 0.00001; TOPMed 0.00001; ExAC 0.00002.
gnomAD v4.1: 9 of 1,613,840 alleles (0.00056%); highest among the groups gnomAD compares: Admixed American, 0.0017%; no homozygotes.

Submissions (4):

Labcorp Genetics (formerly Invitae), Labcorp
Classification: Likely pathogenic for 3-hydroxyisobutyryl-CoA hydrolase deficiency. Last evaluated: 2024-03-11. Review status: criteria provided, single submitter. Criteria: Invitae Variant Classification Sherloc (09022015). Collection method: clinical testing. Allele origin: germline.
Comment: This sequence change replaces arginine, which is basic and polar, with tryptophan, which is neutral and slightly polar, at codon 66 of the HIBCH protein (p.Arg66Trp). This variant is present in population databases (rs757976755, gnomAD 0.003%). This missense change has been observed in individual(s) with 3-Hydroxyisobutryl-CoA hydrolase deficiency (PMID: 26026795; Invitae). It has also been observed to segregate with disease in related individuals. ClinVar contains an entry for this variant (Variation ID: 190268). Advanced modeling of protein sequence and biophysical properties (such as structural, functional, and spatial information, amino acid conservation, physicochemical variation, residue mobility, and thermodynamic stability) performed at Invitae indicates that this missense variant is expected to disrupt HIBCH protein function with a positive predictive value of 80%. In summary, the currently available evidence indicates that the variant is pathogenic, but additional data are needed to prove that conclusively. Therefore, this variant has been classified as Likely Pathogenic.

Blueprint Genetics
Classification: Likely pathogenic for HIBCH-related disorders. Last evaluated: 2023-05-16. Review status: criteria provided, single submitter. Criteria: ACMG Guidelines, 2015. Collection method: clinical testing. Allele origin: germline. Affected: yes. Observed: 2 variant alleles.

OMIM
Classification: Pathogenic for 3-HYDROXYISOBUTYRYL-CoA HYDROLASE DEFICIENCY. Last evaluated: 2015-08-01. Review status: no assertion criteria provided. Collection method: literature only. Allele origin: germline. Not counted in ClinVar's aggregate classification.

Bonnen Lab, Baylor College of Medicine
Classification: Pathogenic for 3-hydroxyisobutyryl-CoA hydrolase deficiency. Last evaluated: 2014-12-30. Review status: no assertion criteria provided. Collection method: research. Allele origin: inherited. Affected: yes. Observed: 2 variant alleles. Not counted in ClinVar's aggregate classification.
Comment: Decreased HIBCH enzymatic activity in fibroblasts.

Literature cited by the submitters: PubMed 26026795 (cited by Labcorp Genetics (formerly Invitae), Labcorp and OMIM).